The following is an entry in ClinVar:

ClinVar aggregate classification (germline): Uncertain significance. Review status: criteria provided, multiple submitters, no conflicts (2 of 4 stars). 2 submissions from 2 submitters: Uncertain significance (2). Last evaluated 2025-06-12.

Conditions:
Hereditary cancer-predisposing syndrome. Also called: Hereditary Cancer Syndrome; Hereditary neoplastic syndrome; Neoplastic Syndromes, Hereditary; Tumor predisposition. Identifiers: Orphanet 140162, MedGen C0027672, MeSH D009386, MONDO:0015356.
Rhabdoid tumor predisposition syndrome 2 (RTPS2). Identifiers: Orphanet 231108, Orphanet 69077, MedGen C2750074, MONDO:0013224, OMIM 613325.

Allele frequency attached by ClinVar (database versions not stated): gnomAD exomes below 0.00001; ExAC 0.00001.
gnomAD v4.1: 2 of 1,603,192 alleles (0.00012%); highest among the groups gnomAD compares: Admixed American, 0.0035%; no homozygotes.

Submissions (2):

Ambry Genetics
Classification: Uncertain significance for Hereditary cancer-predisposing syndrome. Last evaluated: 2025-06-12. Review status: criteria provided, single submitter. Criteria: Ambry Variant Classification Scheme 2023. Collection method: clinical testing. Allele origin: germline.
Comment: The p.L1414V variant (also known as c.4240C>G), located in coding exon 29 of the SMARCA4 gene, results from a C to G substitution at nucleotide position 4240. The leucine at codon 1414 is replaced by valine, an amino acid with highly similar properties. This amino acid position is conserved. In addition, this alteration is predicted to be tolerated by in silico analysis. Based on the available evidence, the clinical significance of this variant remains unclear.

Labcorp Genetics (formerly Invitae), Labcorp
Classification: Uncertain significance for Rhabdoid tumor predisposition syndrome 2. Last evaluated: 2023-07-16. Review status: criteria provided, single submitter. Criteria: Invitae Variant Classification Sherloc (09022015). Collection method: clinical testing. Allele origin: germline.
Comment: This sequence change replaces leucine, which is neutral and non-polar, with valine, which is neutral and non-polar, at codon 1414 of the SMARCA4 protein (p.Leu1414Val). In summary, the available evidence is currently insufficient to determine the role of this variant in disease. Therefore, it has been classified as a Variant of Uncertain Significance. An algorithm developed to predict the effect of missense changes on protein structure and function (PolyPhen-2) suggests that this variant is likely to be tolerated. ClinVar contains an entry for this variant (Variation ID: 408704). This variant has not been reported in the literature in individuals affected with SMARCA4-related conditions. This variant is present in population databases (rs746165832, gnomAD 0.003%).

NM_001387283.1(SMARCA4):c.4240C>G (p.Leu1414Val)

Gene: SMARCA4 (SWI/SNF related BAF chromatin remodeling complex subunit ATPase 4; plus strand). Cytogenetic location: 19p13.2.
Variant type: single nucleotide variant.
Coding change: c.4240C>G on transcript NM_001387283.1 (MANE Plus Clinical); coding-DNA position 4240, C replaced by G.
Protein change: p.Leu1414Val; replaces leucine 1414 with valine.
Molecular consequence: missense variant. On other transcripts: intron variant (7).
Genome position (GRCh38, 1-based): chr19:11,039,527, C>G. VCF-style: chr19-11039527-C-G. GRCh37 (hg19) VCF-style: chr19-11150203-C-G.
Other names: c.4240C>G, p.Leu1414Val (NM_001128849.3); c.4171-1780C>G (NM_001128844.3, NM_003072.5); c.4072-1780C>G (NM_001128847.4, NM_001374457.1, NM_001128848.2); c.4072-1771C>G (NM_001128845.2, NM_001128846.2); short protein forms L1414V.
Identifiers: ClinVar variation 408704 (VCV000408704.9), dbSNP rs746165832, ClinGen allele CA9204640.